The following is an entry in ClinVar:

NM_024685.4(BBS10):c.239_241del (p.Gly80del)

Gene: BBS10 (Bardet-Biedl syndrome 10; minus strand). Cytogenetic location: 12q21.2.
Variant type: Deletion.
Coding change: c.239_241del on transcript NM_024685.4 (MANE Select); coding-DNA positions 239 to 241, 3 bases deleted (GAG; older notation c.239_241delGAG).
Protein change: p.Gly80del; deletes glycine 80.
Molecular consequence: inframe deletion.
Genome position (GRCh38, 1-based): chr12:76,347,744-76,347,746, CTC deleted on the plus strand (GAG on the coding strand, the reverse complement: BBS10 is on the minus strand); deleting any 3 consecutive bases within chr12:76,347,744-76,347,748 gives the same sequence; the c. name uses the placement nearest the transcript's 3' end. VCF-style (leftmost placement, unchanged base first): chr12-76347743-TCTC-T. GRCh37 (hg19) VCF-style: chr12-76741523-TCTC-T.
Other names: short protein forms G80del.
Identifiers: ClinVar variation 4995545 (VCV004995545.1).
Genomic context (GRCh38, chr12:76,347,743, plus strand): 5'-GTGATTGCATGAAGTCCTCTAAGCAAATGGCAAAGAAAGATAATAAATGTTTTTGCACCA[TCTC>T]CTGTTTTTTTGAGATGACTGGAAACACAGTCCACTATCATCCTGTACAAAAAAGAAATAA-3'

ClinVar aggregate classification (germline): Uncertain significance (1 of 4 stars; one submission).

Conditions:
BBS10-related disorder. Also called: BBS10-related condition.

Submission:

PreventionGenetics, part of Exact Sciences
Classification: Uncertain significance for BBS10-related condition. Last evaluated: 2025-12-15. Review status: criteria provided, single submitter. Criteria: ACMG Guidelines, 2015. Collection method: clinical testing. Allele origin: germline.
Comment: The BBS10 c.239_241delGAG variant is predicted to result in an in-frame deletion (p.Gly80del). To our knowledge, this variant has not been reported in the literature or in a large population database (gnomAD), indicating this variant is rare. At this time, the clinical significance of this variant is uncertain due to the absence of conclusive functional and genetic evidence.